The following is an entry in ClinVar:

NM_000137.4(FAH):c.608del (p.Ala203fs)

Gene: FAH (fumarylacetoacetate hydrolase; plus strand). Cytogenetic location: 15q25.1.
Variant type: Deletion.
Coding change: c.608del on transcript NM_000137.4 (MANE Select); coding-DNA position 608, one base deleted (C; older notation c.608delC).
Protein change: p.Ala203fs; shifts the reading frame from alanine 203.
Molecular consequence: frameshift variant.
Genome position (GRCh38, 1-based): chr15:80,172,150, C deleted. VCF-style (leftmost placement, unchanged base first): chr15-80172149-GC-G. GRCh37 (hg19) VCF-style: chr15-80464491-GC-G.
Other names: c.608del, p.Ala203fs (NM_001374377.1, NM_001374380.1); short protein forms A203fs.
Identifiers: ClinVar variation 3241523 (VCV003241523.4), dbSNP rs2505853708.
Genomic context (GRCh38, chr15:80,172,149, plus strand): 5'-TGACAAGTGACCTGGGCGGCAGATCAGCTCCAGATTCTAATGAACTCTCCCCCATGTAAG[GC>G]TTTTTTTGTAGGCCCTGGAAACAGATTGGGAGAGCCGATCCCCATTTCCAAGGCCCATGA-3'

ClinVar aggregate classification (germline): Pathogenic/Likely pathogenic. Review status: criteria provided, multiple submitters, no conflicts (2 of 4 stars). 3 submissions from 3 submitters: Pathogenic (2); Likely pathogenic (1). Last evaluated 2026-05-13.

Conditions:
Tyrosinemia type I (TYRSN1). Also called: Tyrosinemia type 1; Fumarylacetoacetase deficiency; Deficiency of fumarylacetoacetase; FAH DEFICIENCY; HEPATORENAL TYROSINEMIA. Identifiers: Orphanet 882, MedGen C0268490, MONDO:0010161, OMIM 276700. Disease mechanism: loss of function.

Submissions (3):

Myriad Genetics, Inc.
Classification: Pathogenic for Tyrosinemia type I. Last evaluated: 2026-05-13. Review status: criteria provided, single submitter. Criteria: Myriad Autosomal Dominant, Autosomal Recessive and X-Linked Classification Criteria (2023). Collection method: clinical testing. Allele origin: unknown.
Comment: NM_000137.2(FAH):c.608delC(A203Vfs*4) is expected to be pathogenic in the context of tyrosinemia type I. This variant is predicted to lead to an abnormal or absent protein product due to the creation of a premature termination codon in FAH, a gene where loss-of-function variants are known to be pathogenic. Please note: this variant was assessed in the context of healthy population screening.

Labcorp Genetics (formerly Invitae), Labcorp
Classification: Pathogenic for Tyrosinemia type I. Last evaluated: 2024-03-03. Review status: criteria provided, single submitter. Criteria: Invitae Variant Classification Sherloc (09022015). Collection method: clinical testing. Allele origin: germline.
Comment: This sequence change creates a premature translational stop signal (p.Ala203Valfs*4) in the FAH gene. It is expected to result in an absent or disrupted protein product. Loss-of-function variants in FAH are known to be pathogenic (PMID: 9101289, 9633815). This variant is not present in population databases (gnomAD no frequency). This variant has not been reported in the literature in individuals affected with FAH-related conditions. For these reasons, this variant has been classified as Pathogenic.

Baylor Genetics
Classification: Likely pathogenic for Tyrosinemia type I. Last evaluated: 2023-12-23. Review status: criteria provided, single submitter. Criteria: ACMG Guidelines, 2015. Collection method: clinical testing. Allele origin: unknown.

Literature cited by the submitters: PubMed 9101289 (cited by Labcorp Genetics (formerly Invitae), Labcorp); PubMed 9633815 (cited by Labcorp Genetics (formerly Invitae), Labcorp).